The following is an entry in ClinVar:

ClinVar aggregate classification (germline): Uncertain significance (1 of 4 stars; one submission).

Conditions:
Dyskeratosis congenita. Identifiers: Orphanet 1775, MedGen C0265965, MONDO:0015780.

Submission:

Labcorp Genetics (formerly Invitae), Labcorp
Classification: Uncertain significance for Dyskeratosis congenita. Last evaluated: 2021-04-20. Review status: criteria provided, single submitter. Criteria: Invitae Variant Classification Sherloc (09022015). Collection method: clinical testing. Allele origin: germline.
Comment: In summary, the available evidence is currently insufficient to determine the role of this variant in disease. Therefore, it has been classified as a Variant of Uncertain Significance. Algorithms developed to predict the effect of sequence changes on RNA splicing suggest that this variant may create or strengthen a splice site, but this prediction has not been confirmed by published transcriptional studies. Algorithms developed to predict the effect of missense changes on protein structure and function output the following: SIFT: "Deleterious"; PolyPhen-2: "Benign"; Align-GVGD: "Class C0". The glutamine amino acid residue is found in multiple mammalian species, suggesting that this missense change does not adversely affect protein function. These predictions have not been confirmed by published functional studies and their clinical significance is uncertain. This variant has not been reported in the literature in individuals with CTC1-related conditions. This variant is not present in population databases (ExAC no frequency). This sequence change replaces leucine with glutamine at codon 1016 of the CTC1 protein (p.Leu1016Gln). The leucine residue is highly conserved and there is a moderate physicochemical difference between leucine and glutamine.

NM_025099.6(CTC1):c.3047T>A (p.Leu1016Gln)

Gene: CTC1 (CST telomere replication complex component 1; minus strand). Cytogenetic location: 17p13.1.
Variant type: single nucleotide variant.
Coding change: c.3047T>A on transcript NM_025099.6 (MANE Select); coding-DNA position 3047, T replaced by A.
Protein change: p.Leu1016Gln; replaces leucine 1016 with glutamine.
Molecular consequence: missense variant. On other transcripts: non-coding transcript variant (1).
Genome position (GRCh38, 1-based): chr17:8,229,411, A>T on the plus strand (T>A on the coding strand, the complement: CTC1 is on the minus strand). VCF-style: chr17-8229411-A-T. GRCh37 (hg19) VCF-style: chr17-8132729-A-T.
Other names: short protein forms L1016Q.
Identifiers: ClinVar variation 1359021 (VCV001359021.8), dbSNP rs2151500704, ClinGen allele CA397972336.